The following is an entry in ClinVar:

ClinVar aggregate classification (germline): Likely benign (0 of 4 stars; one submission).

Conditions:
PKD1-related disorder. Also called: PKD1-related condition.

Allele frequency attached by ClinVar (database versions not stated): gnomAD exomes 0.00001; gnomAD 0.00002.
gnomAD v4.1: 17 of 1,608,136 alleles (0.0011%); highest among the groups gnomAD compares: Admixed American, 0.012%; no homozygotes.

Submission:

PreventionGenetics, part of Exact Sciences
Classification: Likely benign for PKD1-related condition. Last evaluated: 2019-02-21. Review status: no assertion criteria provided. Collection method: clinical testing. Allele origin: germline.
Comment: This variant is classified as likely benign based on ACMG/AMP sequence variant interpretation guidelines (Richards et al. 2015 PMID: 25741868, with internal and published modifications).

NM_001009944.3(PKD1):c.5700G>A (p.Ala1900=)

Gene: PKD1 (polycystin 1, transient receptor potential channel interacting; minus strand). Cytogenetic location: 16p13.3.
Variant type: single nucleotide variant.
Coding change: c.5700G>A on transcript NM_001009944.3 (MANE Select); coding-DNA position 5700, G replaced by A.
Protein change: p.Ala1900=; no amino-acid change (alanine 1900 retained).
Molecular consequence: synonymous variant.
Genome position (GRCh38, 1-based): chr16:2,109,467, C>T on the plus strand (G>A on the coding strand, the complement: PKD1 is on the minus strand). VCF-style: chr16-2109467-C-T. GRCh37 (hg19) VCF-style: chr16-2159468-C-T.
Other names: c.5700G>A, p.Ala1900= (NM_000296.4).
Identifiers: ClinVar variation 3047039 (VCV003047039.2), dbSNP rs1201207003, ClinGen allele CA493047559.
Genomic context (GRCh38, chr16:2,109,467, plus strand): 5'-GCGGAAGGTGACAGCTGAGCCGGCAGCCAGCAGGATCTGAAAATGGACCAGCTGCCCGGG[C>T]GCCACCACCTTGCTGCTGGCCCACAGCACCAGGCCCACGATGGGCTCCTCCGCCGTGAGG-3'
Protein context (NP_001009944.3, residues 1890-1910): LVLWASSKVV[Ala1900=]PGQLVHFQIL